The following is an entry in ClinVar:

NM_000552.5(VWF):c.5004G>T (p.Arg1668Ser)

Gene: VWF (von Willebrand factor; minus strand). Cytogenetic location: 12p13.31.
Variant type: single nucleotide variant.
Coding change: c.5004G>T on transcript NM_000552.5 (MANE Select); coding-DNA position 5004, G replaced by T.
Protein change: p.Arg1668Ser; replaces arginine 1668 with serine.
Molecular consequence: missense variant.
Genome position (GRCh38, 1-based): chr12:6,018,414, C>A on the plus strand (G>T on the coding strand, the complement: VWF is on the minus strand). VCF-style: chr12-6018414-C-A. GRCh37 (hg19) VCF-style: chr12-6127580-C-A.
Other names: c.5004G>T (NM_000552.4); short protein forms R1668S.
Identifiers: ClinVar variation 100413 (VCV000100413.3), dbSNP rs61750597, ClinGen allele CA228694.
Genomic context (GRCh38, chr12:6,018,414, plus strand): 5'-TGCCAGCATACCAGGTGCAGGGGAGAGGGTGGGGATCTGCAGCCCCTCTCCGGAGCAGCA[C>A]CTCTGCAGCACCAGGTCAGGAGCCTCTCGGGGGAGCGTCTCAAAGTCCTGGATGAGGATA-3'
Protein context (NP_000543.3, residues 1658-1678): PREAPDLVLQ[Arg1668Ser]CCSGEGLQIP

ClinVar aggregate classification (germline): Likely benign. Review status: criteria provided, single submitter (1 of 4 stars). 3 submissions from 3 submitters: Likely benign (1). 2 of the submissions do not count toward it. Last evaluated 2024-09-17.

Conditions:
VWF-related disorder. Also called: VWF-related disorders; VWF-related condition.

gnomAD v4.1: 26 of 1,612,558 alleles (0.0016%); highest among the groups gnomAD compares: Non-Finnish European, 0.0022%; no homozygotes.

Submissions (3):

Blueprint Genetics
Classification: Likely benign. Last evaluated: 2024-09-17. Review status: criteria provided, single submitter. Criteria: ACMG Guidelines, 2015. Collection method: clinical testing. Allele origin: germline.

PreventionGenetics, part of Exact Sciences
Classification: Uncertain significance for VWF-related condition. Last evaluated: 2024-09-25. Review status: no assertion criteria provided. Collection method: clinical testing. Allele origin: germline. Not counted in ClinVar's aggregate classification.
Comment: The VWF c.5004G>T variant is predicted to result in the amino acid substitution p.Arg1668Ser. This variant has been reported in a cohort study with Von Willebrand disease 1 (James et al. 2007. PubMed ID: 17190853). This variant is reported in 0.0062% of alleles in individuals of European (Non-Finnish) descent in gnomAD. At this time, the clinical significance of this variant is uncertain due to the absence of conclusive functional and genetic evidence.

Academic Unit of Haematology, University of Sheffield
No classification provided. Review status: no classification provided. Collection method: not provided. Allele origin: not provided. Not counted in ClinVar's aggregate classification.